The following is an entry in ClinVar:

ClinVar aggregate classification (germline): Likely benign. Review status: criteria provided, multiple submitters, no conflicts (2 of 4 stars). 2 submissions from 2 submitters: Likely benign (2). Last evaluated 2026-04-09.

Conditions:
PEX19-related disorder. Also called: PEX19-related condition.
Peroxisome biogenesis disorder 12A (Zellweger). Also called: Peroxisome biogenesis disorder 12A. Identifiers: Orphanet 912, MedGen C3554002, MONDO:0013951, OMIM 614886.

Allele frequency attached by ClinVar (database versions not stated): gnomAD exomes below 0.00001; TOPMed below 0.00001.
gnomAD v4.1: 5 of 1,613,756 alleles (0.00031%); highest among the groups gnomAD compares: Non-Finnish European, 0.00042%; no homozygotes.

Submissions (2):

PreventionGenetics, part of Exact Sciences
Classification: Likely benign for PEX19-related condition. Last evaluated: 2026-04-09. Review status: criteria provided, single submitter. Criteria: ACMG Guidelines, 2015. Collection method: clinical testing. Allele origin: germline.
Comment: This variant is classified as likely benign based on ACMG/AMP sequence variant interpretation guidelines (Richards et al. 2015 PMID: 25741868, with internal and published modifications).

Labcorp Genetics (formerly Invitae), Labcorp
Classification: Likely benign for Peroxisome biogenesis disorder 12A (Zellweger). Last evaluated: 2023-02-13. Review status: criteria provided, single submitter. Criteria: Invitae Variant Classification Sherloc (09022015). Collection method: clinical testing. Allele origin: germline.

NM_002857.4(PEX19):c.150C>T (p.Pro50=)

Gene: PEX19 (peroxisomal biogenesis factor 19; minus strand). Cytogenetic location: 1q23.2.
Variant type: single nucleotide variant.
Coding change: c.150C>T on transcript NM_002857.4 (MANE Select); coding-DNA position 150, C replaced by T.
Protein change: p.Pro50=; no amino-acid change (proline 50 retained).
Molecular consequence: synonymous variant. On other transcripts: non-coding transcript variant (1).
Genome position (GRCh38, 1-based): chr1:160,283,560, G>A on the plus strand (C>T on the coding strand, the complement: PEX19 is on the minus strand). VCF-style: chr1-160283560-G-A. GRCh37 (hg19) VCF-style: chr1-160253350-G-A.
Other names: c.150C>T (NM_002857.3); c.150C>T, p.Pro50= (NM_001193644.1).
Identifiers: ClinVar variation 2989152 (VCV002989152.4), dbSNP rs1312578365, ClinGen allele CA421363217.